The following is an entry in ClinVar:

NM_001110556.2(FLNA):c.4076G>A (p.Arg1359His)

Gene: FLNA (filamin A; minus strand). Cytogenetic location: Xq28.
Variant type: single nucleotide variant.
Coding change: c.4076G>A on transcript NM_001110556.2 (MANE Select); coding-DNA position 4076, G replaced by A.
Protein change: p.Arg1359His; replaces arginine 1359 with histidine.
Molecular consequence: missense variant.
Genome position (GRCh38, 1-based): chrX:154,359,550, C>T on the plus strand (G>A on the coding strand, the complement: FLNA is on the minus strand). VCF-style: chrX-154359550-C-T. GRCh37 (hg19) VCF-style: chrX-153587918-C-T.
Other names: c.4076G>A, p.Arg1359His (NM_001456.4); short protein forms R1359H.
Identifiers: ClinVar variation 1020790 (VCV001020790.13), dbSNP rs1557177520, ClinGen allele CA415219868.

ClinVar aggregate classification (germline): Conflicting classifications of pathogenicity. Review status: criteria provided, conflicting classifications (1 of 4 stars). 2 submissions from 2 submitters: Uncertain significance (1); Benign (1). Last evaluated 2025-10-17.

Conditions:
Frontometaphyseal dysplasia (FMD1). Identifiers: Orphanet 1826, MedGen C0265293, MONDO:0015942.
Melnick-Needles syndrome (MNS). Also called: MELNICK-NEEDLES OSTEODYSPLASTY; OSTEODYSPLASTY OF MELNICK AND NEEDLES; Melnick-Needles Syndrome (FLNA-MNS). Identifiers: Orphanet 2484, MedGen C0025237, MONDO:0010650, OMIM 309350.
Oto-palato-digital syndrome, type II (OPD2). Also called: FACIOPALATOOSSEOUS SYNDROME; Otopalatodigital Syndrome, Type II; OPD II SYNDROME; Otopalatodigital Syndrome Type 2 (FLNA-OPD2). Identifiers: Orphanet 669, Orphanet 90652, MedGen C1844696, MONDO:0010571, OMIM 304120.
Heterotopia, periventricular, X-linked dominant (PVNH1). Also called: PERIVENTRICULAR NODULAR HETEROTOPIA 1; X-linked periventricular heterotopia; PERIVENTRICULAR NODULAR HETEROTOPIA 4; HETEROTOPIA, PERIVENTRICULAR, 1. Identifiers: Orphanet 2149, Orphanet 82004, MedGen C1848213, MONDO:0010233, OMIM 300049.

Allele frequency attached by ClinVar (database versions not stated): gnomAD exomes below 0.00001 and 0.00001; gnomAD 0.00001; TOPMed 0.00002.
gnomAD v4.1: 4 of 1,209,396 alleles (0.00033%); highest among the groups gnomAD compares: East Asian, 0.003%; no homozygotes.

Submissions (2):

GeneDx
Classification: Uncertain significance. Last evaluated: 2025-10-17. Review status: criteria provided, single submitter. Criteria: GeneDx Variant Classification Process June 2021. Collection method: clinical testing. Allele origin: germline. Affected: yes.
Comment: Has not been previously published as pathogenic or benign to our knowledge; In silico analysis supports that this missense variant has a deleterious effect on protein structure/function

Labcorp Genetics (formerly Invitae), Labcorp
Classification: Benign for Oto-palato-digital syndrome, type II; Heterotopia, periventricular, X-linked dominant; Frontometaphyseal dysplasia; Melnick-Needles syndrome. Last evaluated: 2024-02-20. Review status: criteria provided, single submitter. Criteria: Invitae Variant Classification Sherloc (09022015). Collection method: clinical testing. Allele origin: germline.